The following is an entry in ClinVar:

NC_000001.10:g.(?_235602064)_(235602257_?)del

Gene: TBCE (tubulin folding cofactor E; plus strand). Cytogenetic location: 1q42.3.
Variant type: Deletion.
Identifiers: ClinVar variation 3247949 (VCV003247949.1).

ClinVar aggregate classification (germline): Pathogenic (1 of 4 stars; one submission).

Submission:

Labcorp Genetics (formerly Invitae), Labcorp
Classification: Pathogenic. Last evaluated: 2023-07-06. Review status: criteria provided, single submitter. Criteria: Invitae Variant Classification Sherloc (09022015). Collection method: clinical testing. Allele origin: unknown.
Comment: This variant is a gross deletion of the genomic region encompassing exon(s) 13 of the TBCE gene. This deletion is out-of-frame, and is expected to create a premature termination codon and result in an absent or disrupted protein product. Loss-of-function variants in TBCE are known to be pathogenic (PMID: 27666369, 34134906, 34356170). This variant has not been reported in the literature in individuals affected with TBCE-related conditions. For these reasons, this variant has been classified as Pathogenic.

Literature cited by the submitters: PubMed 27666369; PubMed 34134906; PubMed 34356170.